The following is an entry in ClinVar:

ClinVar aggregate classification (germline): Uncertain significance. Review status: criteria provided, multiple submitters, no conflicts (2 of 4 stars). 2 submissions from 2 submitters: Uncertain significance (2). Last evaluated 2025-11-03.

Conditions:
Norman-Roberts syndrome (LIS2). Also called: Lissencephaly 2 (Norman-Roberts type). Identifiers: Orphanet 89844, MedGen C0796089, MONDO:0009760, OMIM 257320.
Familial temporal lobe epilepsy 7. Identifiers: Orphanet 101046, MedGen C4225327, MONDO:0014639, OMIM 616436.

gnomAD v4.1: 1 of 1,613,910 alleles (0.000062%); highest among the groups gnomAD compares: Non-Finnish European, 0.000085%; no homozygotes.

Submissions (2):

Labcorp Genetics (formerly Invitae), Labcorp
Classification: Uncertain significance for Familial temporal lobe epilepsy 7; Norman-Roberts syndrome. Last evaluated: 2025-11-03. Review status: criteria provided, single submitter. Criteria: Invitae Variant Classification Sherloc (09022015). Collection method: clinical testing. Allele origin: germline.
Comment: This sequence change replaces arginine, which is basic and polar, with threonine, which is neutral and polar, at codon 1825 of the RELN protein (p.Arg1825Thr). This variant is not present in population databases (gnomAD no frequency). This variant has not been reported in the literature in individuals affected with RELN-related conditions. ClinVar contains an entry for this variant (Variation ID: 940191). Invitae Evidence Modeling of protein sequence and biophysical properties (such as structural, functional, and spatial information, amino acid conservation, physicochemical variation, residue mobility, and thermodynamic stability) indicates that this missense variant is not expected to disrupt RELN protein function with a negative predictive value of 80%. In summary, the available evidence is currently insufficient to determine the role of this variant in disease. Therefore, it has been classified as a Variant of Uncertain Significance.

GeneDx
Classification: Uncertain significance. Last evaluated: 2021-05-05. Review status: criteria provided, single submitter. Criteria: GeneDx Variant Classification Process June 2021. Collection method: clinical testing. Allele origin: germline. Affected: yes.
Comment: Not observed in large population cohorts (Lek et al., 2016); In silico analysis supports that this missense variant does not alter protein structure/function; Has not been previously published as pathogenic or benign to our knowledge

NM_005045.4(RELN):c.5474G>C (p.Arg1825Thr)

Gene: RELN (reelin; minus strand). Cytogenetic location: 7q22.1.
Variant type: single nucleotide variant.
Coding change: c.5474G>C on transcript NM_005045.4 (MANE Select); coding-DNA position 5474, G replaced by C.
Protein change: p.Arg1825Thr; replaces arginine 1825 with threonine.
Molecular consequence: missense variant.
Genome position (GRCh38, 1-based): chr7:103,561,587, C>G on the plus strand (G>C on the coding strand, the complement: RELN is on the minus strand). VCF-style: chr7-103561587-C-G. GRCh37 (hg19) VCF-style: chr7-103202034-C-G.
Other names: c.5474G>C, p.Arg1825Thr (NM_173054.3); short protein forms R1825T.
Identifiers: ClinVar variation 940191 (VCV000940191.12), dbSNP rs368478306, ClinGen allele CA163910137.